The following is an entry in ClinVar:

NM_007126.5(VCP):c.451A>G (p.Ile151Val)

Gene: VCP (valosin containing protein; minus strand). Cytogenetic location: 9p13.3.
Variant type: single nucleotide variant.
Coding change: c.451A>G on transcript NM_007126.5 (MANE Select); coding-DNA position 451, A replaced by G.
Protein change: p.Ile151Val; replaces isoleucine 151 with valine.
Molecular consequence: missense variant.
Genome position (GRCh38, 1-based): chr9:35,065,376, T>C on the plus strand (A>G on the coding strand, the complement: VCP is on the minus strand). VCF-style: chr9-35065376-T-C. GRCh37 (hg19) VCF-style: chr9-35065373-T-C.
Other names: c.316A>G, p.Ile106Val (NM_001354927.2, NM_001354928.2); c.451A>G (NM_007126.3); short protein forms I151V, I106V.
Identifiers: ClinVar variation 1382557 (VCV001382557.10), dbSNP rs367881889, ClinGen allele CA192681647.

ClinVar aggregate classification (germline): Uncertain significance. Review status: criteria provided, multiple submitters, no conflicts (2 of 4 stars). 2 submissions from 2 submitters: Uncertain significance (2). Last evaluated 2025-08-19.

Conditions:
Inclusion body myopathy with Paget disease of bone and frontotemporal dementia. Also called: Inclusion body myopathy with early-onset Paget disease and frontotemporal dementia. Identifiers: Orphanet 52430, MedGen C1833662, MONDO:0000507.
Frontotemporal dementia and/or amyotrophic lateral sclerosis 6 (FTDALS6). Also called: VCP-Related Amyotrophic Lateral Sclerosis/Frontotemporal Dementia; VCP-Related Amyotrophic Lateral Sclerosis. Identifiers: Orphanet 275872, Orphanet 803, MedGen C5436279, MONDO:0013501, OMIM 613954.
Inborn genetic diseases. Identifiers: MedGen C0950123, MeSH D030342.

Allele frequency attached by ClinVar (database versions not stated): gnomAD 0.00001; TOPMed 0.00001; gnomAD exomes 0.00003; ESP Exome Variant Server 0.00008.
gnomAD v4.1: 44 of 1,613,920 alleles (0.0027%); highest among the groups gnomAD compares: Non-Finnish European, 0.0036%; no homozygotes.

Submissions (2):

Labcorp Genetics (formerly Invitae), Labcorp
Classification: Uncertain significance for Inclusion body myopathy with Paget disease of bone and frontotemporal dementia; Frontotemporal dementia and/or amyotrophic lateral sclerosis 6. Last evaluated: 2025-08-19. Review status: criteria provided, single submitter. Criteria: Invitae Variant Classification Sherloc (09022015). Collection method: clinical testing. Allele origin: germline.
Comment: This sequence change replaces isoleucine, which is neutral and non-polar, with valine, which is neutral and non-polar, at codon 151 of the VCP protein (p.Ile151Val). This variant is not present in population databases (gnomAD no frequency). This missense change has been observed in individual(s) with clinical features of VCP-related conditions (PMID: 21880997, 26853221). ClinVar contains an entry for this variant (Variation ID: 1382557). Invitae Evidence Modeling of protein sequence and biophysical properties (such as structural, functional, and spatial information, amino acid conservation, physicochemical variation, residue mobility, and thermodynamic stability) indicates that this missense variant is not expected to disrupt VCP protein function with a negative predictive value of 95%. Experimental studies are conflicting or provide insufficient evidence to determine the effect of this variant on VCP function (PMID: 28542158). In summary, the available evidence is currently insufficient to determine the role of this variant in disease. Therefore, it has been classified as a Variant of Uncertain Significance.

Ambry Genetics
Classification: Uncertain significance for Inborn genetic diseases. Last evaluated: 2023-07-05. Review status: criteria provided, single submitter. Criteria: Ambry Variant Classification Scheme 2023. Collection method: clinical testing. Allele origin: germline.
Comment: The c.451A>G (p.I151V) alteration is located in exon 5 (coding exon 5) of the VCP gene. This alteration results from a A to G substitution at nucleotide position 451, causing the isoleucine (I) at amino acid position 151 to be replaced by a valine (V). The alteration is rare in population databases: Based on data from the Genome Aggregation Database (gnomAD), the c.451A>G alteration was observed in 0.003% (1/31382) of total alleles studied. This amino acid position is highly conserved in available vertebrate species. The alteration is predicted benign by in silico models:_x000D_ _x000D_ The p.I151V alteration is predicted to be benign by Polyphen and tolerated by SIFT in silico analyses. Based on insufficient or conflicting evidence, the clinical significance of this alteration remains unclear.

Literature cited by the submitters: PubMed 21880997 (cited by Labcorp Genetics (formerly Invitae), Labcorp and Ambry Genetics); PubMed 26853221 (cited by Labcorp Genetics (formerly Invitae), Labcorp and Ambry Genetics); PubMed 28542158 (cited by Labcorp Genetics (formerly Invitae), Labcorp and Ambry Genetics).